The following is an entry in ClinVar:

ClinVar aggregate classification (germline): Uncertain significance (1 of 4 stars; one submission).

Allele frequency attached by ClinVar (database versions not stated): ExAC 0.00002.
gnomAD v4.1: 41 of 1,605,310 alleles (0.0026%); highest among the groups gnomAD compares: Admixed American, 0.0033%; no homozygotes.

Submission:

Labcorp Genetics (formerly Invitae), Labcorp
Classification: Uncertain significance. Last evaluated: 2022-02-12. Review status: criteria provided, single submitter. Criteria: Invitae Variant Classification Sherloc (09022015). Collection method: clinical testing. Allele origin: germline.
Comment: In summary, the available evidence is currently insufficient to determine the role of this variant in disease. Therefore, it has been classified as a Variant of Uncertain Significance. Algorithms developed to predict the effect of missense changes on protein structure and function are either unavailable or do not agree on the potential impact of this missense change (SIFT: "Tolerated"; PolyPhen-2: "Possibly Damaging"; Align-GVGD: "Class C15"). This variant has not been reported in the literature in individuals affected with IMPAD1-related conditions. This variant is present in population databases (rs750520263, gnomAD 0.003%). This sequence change replaces tyrosine, which is neutral and polar, with cysteine, which is neutral and slightly polar, at codon 119 of the IMPAD1 protein (p.Tyr119Cys).

NM_017813.5(BPNT2):c.356A>G (p.Tyr119Cys)

Gene: BPNT2 (3'(2'), 5'-bisphosphate nucleotidase 2; minus strand). Cytogenetic location: 8q12.1.
Variant type: single nucleotide variant.
Coding change: c.356A>G on transcript NM_017813.5 (MANE Select); coding-DNA position 356, A replaced by G.
Protein change: p.Tyr119Cys; replaces tyrosine 119 with cysteine.
Molecular consequence: missense variant.
Genome position (GRCh38, 1-based): chr8:56,993,230, T>C on the plus strand (A>G on the coding strand, the complement: BPNT2 is on the minus strand). VCF-style: chr8-56993230-T-C. GRCh37 (hg19) VCF-style: chr8-57905789-T-C.
Other names: short protein forms Y119C.
Identifiers: ClinVar variation 1681105 (VCV001681105.6), dbSNP rs750520263, ClinGen allele CA4755948.
Genomic context (GRCh38, chr8:56,993,230, plus strand): 5'-GAGTGGGCGCTCCGCCCGTGGGCTCCCACCTGGACGCTGGGGAAGGCGGTCTTGAGCAGG[T>C]AGAACATCTTGCGGTTGGACAGCACGTCGCCGCTGGTCATCTTGTCCTCGGCTCCCTCGC-3'
Protein context (NP_060283.3, residues 109-129): GDVLSNRKMF[Tyr119Cys]LLKTAFPSVQ